The following is an entry in ClinVar:

ClinVar aggregate classification (germline): Uncertain significance (1 of 4 stars; one submission).

Allele frequency attached by ClinVar (database versions not stated): gnomAD exomes below 0.00001; TOPMed 0.00001.
gnomAD v4.1: 1 of 1,612,044 alleles (0.000062%); highest among the groups gnomAD compares: Non-Finnish European, 0.000085%; no homozygotes.

Submission:

Ambry Genetics
Classification: Uncertain significance. Last evaluated: 2024-01-20. Review status: criteria provided, single submitter. Criteria: Ambry Variant Classification Scheme 2023. Collection method: clinical testing. Allele origin: germline.
Comment: The p.S865T variant (also known as c.2594G>C), located in coding exon 25 of the NEBL gene, results from a G to C substitution at nucleotide position 2594. The serine at codon 865 is replaced by threonine, an amino acid with similar properties. This amino acid position is conserved. In addition, this alteration is predicted to be tolerated by in silico analysis. Based on the available evidence, the clinical significance of this alteration remains unclear.

NM_006393.3(NEBL):c.2594G>C (p.Ser865Thr)

Gene: NEBL (nebulette; minus strand). Cytogenetic location: 10p12.31.
Variant type: single nucleotide variant.
Coding change: c.2594G>C on transcript NM_006393.3 (MANE Select); coding-DNA position 2594, G replaced by C.
Protein change: p.Ser865Thr; replaces serine 865 with threonine.
Molecular consequence: missense variant. On other transcripts: intron variant (8).
Genome position (GRCh38, 1-based): chr10:20,809,823, C>G on the plus strand (G>C on the coding strand, the complement: NEBL is on the minus strand). VCF-style: chr10-20809823-C-G. GRCh37 (hg19) VCF-style: chr10-21098752-C-G.
Other names: c.605G>C, p.Ser202Thr (NM_001377322.1); c.421+2946G>C (NM_001377326.1, NM_001377327.1, NM_001377328.1); c.529+2946G>C (NM_213569.2, NM_001173484.2); c.472+2946G>C (NM_001377324.1); c.463+2946G>C (NM_001377325.1); c.481+2946G>C (NM_001377323.1); short protein forms S202T, S865T.
Identifiers: ClinVar variation 3225570 (VCV003225570.1), dbSNP rs1392657113, ClinGen allele CA376092997.